The following is an entry in ClinVar:

ClinVar aggregate classification (germline): Uncertain significance (1 of 4 stars; one submission).

Conditions:
Nephronophthisis. Also called: Juvenile Nephronophthisis. Identifiers: Orphanet 655, MedGen C0687120, MONDO:0019005, HP:0000090.

Allele frequency attached by ClinVar (database versions not stated): gnomAD exomes below 0.00001.
gnomAD v4.1: 1 of 1,613,276 alleles (0.000062%); highest among the groups gnomAD compares: South Asian, 0.0011%; no homozygotes.

Submission:

Labcorp Genetics (formerly Invitae), Labcorp
Classification: Uncertain significance for Nephronophthisis. Last evaluated: 2022-08-16. Review status: criteria provided, single submitter. Criteria: Invitae Variant Classification Sherloc (09022015). Collection method: clinical testing. Allele origin: germline.
Comment: In summary, the available evidence is currently insufficient to determine the role of this variant in disease. Therefore, it has been classified as a Variant of Uncertain Significance. Algorithms developed to predict the effect of missense changes on protein structure and function output the following: SIFT: "Tolerated"; PolyPhen-2: "Benign"; Align-GVGD: "Class C0". The alanine amino acid residue is found in multiple mammalian species, which suggests that this missense change does not adversely affect protein function. This variant has not been reported in the literature in individuals affected with NPHP3-related conditions. This variant is not present in population databases (gnomAD no frequency). This sequence change replaces proline, which is neutral and non-polar, with alanine, which is neutral and non-polar, at codon 838 of the NPHP3 protein (p.Pro838Ala).

NM_153240.5(NPHP3):c.2512C>G (p.Pro838Ala)

Genes: NPHP3 (nephrocystin 3; minus strand), NPHP3-ACAD11 (NPHP3-ACAD11 readthrough (NMD candidate); minus strand). Cytogenetic location: 3q22.1.
Variant type: single nucleotide variant.
Coding change: c.2512C>G on transcript NM_153240.5 (MANE Select); coding-DNA position 2512, C replaced by G.
Protein change: p.Pro838Ala; replaces proline 838 with alanine.
Molecular consequence: missense variant. On other transcripts: non-coding transcript variant (1).
Genome position (GRCh38, 1-based): chr3:132,691,250, G>C on the plus strand (C>G on the coding strand, the complement: NPHP3 is on the minus strand). VCF-style: chr3-132691250-G-C. GRCh37 (hg19) VCF-style: chr3-132410094-G-C.
Other names: short protein forms P838A.
Identifiers: ClinVar variation 1715899 (VCV001715899.5), dbSNP rs2530403684, ClinGen allele CA354581133.